The following is an entry in ClinVar:

NM_005559.4(LAMA1):c.8587G>A (p.Asp2863Asn)

Gene: LAMA1 (laminin subunit alpha 1; minus strand). Cytogenetic location: 18p11.31.
Variant type: single nucleotide variant.
Coding change: c.8587G>A on transcript NM_005559.4 (MANE Select); coding-DNA position 8587, G replaced by A.
Protein change: p.Asp2863Asn; replaces aspartic acid 2863 with asparagine.
Molecular consequence: missense variant.
Genome position (GRCh38, 1-based): chr18:6,948,526, C>T on the plus strand (G>A on the coding strand, the complement: LAMA1 is on the minus strand). VCF-style: chr18-6948526-C-T. GRCh37 (hg19) VCF-style: chr18-6948525-C-T.
Other names: p.Asp2863Asn; c.8587G>A (NM_005559.3); short protein forms D2863N.
Identifiers: ClinVar variation 3380536 (VCV003380536.2).

ClinVar aggregate classification (germline): Uncertain significance. Review status: criteria provided, multiple submitters, no conflicts (2 of 4 stars). 2 submissions from 2 submitters: Uncertain significance (2). Last evaluated 2024-09-02.

Conditions:
Inborn genetic diseases. Identifiers: MedGen C0950123, MeSH D030342.

gnomAD v4.1: 73 of 1,614,188 alleles (0.0045%); highest among the groups gnomAD compares: Non-Finnish European, 0.0054%; no homozygotes.

Submissions (2):

Ambry Genetics
Classification: Uncertain significance for Inborn genetic diseases. Last evaluated: 2024-09-02. Review status: criteria provided, single submitter. Criteria: Ambry Variant Classification Scheme 2023. Collection method: clinical testing. Allele origin: germline.

Mayo Clinic Laboratories, Mayo Clinic
Classification: Uncertain significance. Last evaluated: 2024-03-08. Review status: criteria provided, single submitter. Criteria: ACMG Guidelines, 2015. Collection method: clinical testing. Allele origin: germline. Observed: 1 variant allele.
Comment: BP4, PM2_moderate